The following is an entry in ClinVar:

NM_006031.6(PCNT):c.9820T>A (p.Ser3274Thr)

Gene: PCNT (pericentrin; plus strand). Cytogenetic location: 21q22.3.
Variant type: single nucleotide variant.
Coding change: c.9820T>A on transcript NM_006031.6 (MANE Select); coding-DNA position 9820, T replaced by A.
Protein change: p.Ser3274Thr; replaces serine 3274 with threonine.
Molecular consequence: missense variant.
Genome position (GRCh38, 1-based): chr21:46,443,929, T>A. VCF-style: chr21-46443929-T-A. GRCh37 (hg19) VCF-style: chr21-47863842-T-A.
Other names: c.9820T>A (NM_006031.5); c.9229T>A, p.Ser3077Thr (NM_001315529.2); short protein forms S3274T, S3077T.
Identifiers: ClinVar variation 1982296 (VCV001982296.3), dbSNP rs144044246, ClinGen allele CA10081481.
Genomic context (GRCh38, chr21:46,443,929, plus strand): 5'-GATGTACCCTCTGGCCACACCAGGGACCCTGCCAGAGGCCGCAGACTGGCAGCAGCAGCC[T>A]CCCCACACAGTGGGGGAAGGTCAGTGTGATGCCTTCAGGCCCCGTCTCCTGCCAGGGCTC-3'
Protein context (NP_006022.3, residues 3264-3284): ARGRRLAAAA[Ser3274Thr]PHSGGRATPS

ClinVar aggregate classification (germline): Uncertain significance. Review status: criteria provided, multiple submitters, no conflicts (2 of 4 stars). 2 submissions from 2 submitters: Uncertain significance (2). Last evaluated 2026-09-19.

Conditions:
PCNT-related disorder. Also called: PCNT-related condition.

Allele frequency attached by ClinVar (database versions not stated): gnomAD exomes below 0.00001; ExAC 0.00002; gnomAD 0.00006; TOPMed 0.00006; ESP Exome Variant Server 0.00008.
gnomAD v4.1: 14 of 1,612,038 alleles (0.00087%); highest among the groups gnomAD compares: African/African-American, 0.017%; no homozygotes.

Submissions (2):

PreventionGenetics, part of Exact Sciences
Classification: Uncertain significance for PCNT-related condition. Last evaluated: 2026-09-19. Review status: criteria provided, single submitter. Criteria: ACMG Guidelines, 2015. Collection method: clinical testing. Allele origin: germline.
Comment: The PCNT c.9820T>A variant is predicted to result in the amino acid substitution p.Ser3274Thr. To our knowledge, this variant has not been reported in the literature. This variant is reported in 0.012% of alleles in individuals of African descent in gnomAD. At this time, the clinical significance of this variant is uncertain due to the absence of conclusive functional and genetic evidence.

Labcorp Genetics (formerly Invitae), Labcorp
Classification: Uncertain significance. Last evaluated: 2022-07-11. Review status: criteria provided, single submitter. Criteria: Invitae Variant Classification Sherloc (09022015). Collection method: clinical testing. Allele origin: germline.
Comment: This sequence change replaces serine, which is neutral and polar, with threonine, which is neutral and polar, at codon 3274 of the PCNT protein (p.Ser3274Thr). This variant is present in population databases (rs144044246, gnomAD 0.008%). This variant has not been reported in the literature in individuals affected with PCNT-related conditions. Algorithms developed to predict the effect of missense changes on protein structure and function are either unavailable or do not agree on the potential impact of this missense change (SIFT: "Tolerated"; PolyPhen-2: "Possibly Damaging"; Align-GVGD: "Class C0"). In summary, the available evidence is currently insufficient to determine the role of this variant in disease. Therefore, it has been classified as a Variant of Uncertain Significance.